The following is an entry in ClinVar:

NM_177438.3(DICER1):c.5763T>C (p.Asn1921=)

Gene: DICER1 (dicer 1, ribonuclease III; minus strand). Cytogenetic location: 14q32.13.
Variant type: single nucleotide variant.
Coding change: c.5763T>C on transcript NM_177438.3 (MANE Select); coding-DNA position 5763, T replaced by C.
Protein change: p.Asn1921=; no amino-acid change (asparagine 1921 retained).
Molecular consequence: synonymous variant. On other transcripts: 3 prime UTR variant (1).
Genome position (GRCh38, 1-based): chr14:95,090,504, A>G on the plus strand (T>C on the coding strand, the complement: DICER1 is on the minus strand). VCF-style: chr14-95090504-A-G. GRCh37 (hg19) VCF-style: chr14-95556841-A-G.
Other names: c.*110T>C (NM_001195573.1); c.5763T>C, p.Asn1921= (NM_001271282.3, NM_001291628.2, NM_030621.4).
Identifiers: ClinVar variation 479620 (VCV000479620.16), dbSNP rs1267490300, ClinGen allele CA487625426.

ClinVar aggregate classification (germline): Benign/Likely benign. Review status: criteria provided, multiple submitters, no conflicts (2 of 4 stars). 3 submissions from 3 submitters: Benign (1); Likely benign (2). Last evaluated 2026-04-21.

Conditions:
DICER1-related tumor predisposition. Also called: DICER1-related pleuropulmonary blastoma cancer predisposition syndrome; DICER1 syndrome. Identifiers: Orphanet 284343, MedGen C3839822, MONDO:0100216.
Hereditary cancer-predisposing syndrome. Also called: Hereditary neoplastic syndrome; Neoplastic Syndromes, Hereditary; Hereditary Cancer Syndrome; Tumor predisposition. Identifiers: Orphanet 140162, MedGen C0027672, MeSH D009386, MONDO:0015356.

Allele frequency attached by ClinVar (database versions not stated): gnomAD exomes below 0.00001.
gnomAD v4.1: 2 of 1,613,732 alleles (0.00012%); highest among the groups gnomAD compares: Non-Finnish European, 0.00017%; no homozygotes.

Submissions (3):

Myriad Genetics, Inc.
Classification: Benign for DICER1-related tumor predisposition. Last evaluated: 2026-04-21. Review status: criteria provided, single submitter. Criteria: Myriad Autosomal Dominant, Autosomal Recessive and X-Linked Classification Criteria (2023). Collection method: clinical testing. Allele origin: unknown.
Comment: This variant is considered benign. This variant is a silent/synonymous amino acid change and it is not expected to impact splicing.

Labcorp Genetics (formerly Invitae), Labcorp
Classification: Likely benign for DICER1-related tumor predisposition. Last evaluated: 2025-12-17. Review status: criteria provided, single submitter. Criteria: Invitae Variant Classification Sherloc (09022015). Collection method: clinical testing. Allele origin: germline.

Ambry Genetics
Classification: Likely benign for Hereditary cancer-predisposing syndrome. Last evaluated: 2017-09-30. Review status: criteria provided, single submitter. Criteria: Ambry Variant Classification Scheme 2023. Collection method: clinical testing. Allele origin: germline.